The following is an entry in ClinVar:

ClinVar aggregate classification (germline): Uncertain significance (1 of 4 stars; one submission).

Submission:

GeneDx
Classification: Uncertain significance. Last evaluated: 2023-04-18. Review status: criteria provided, single submitter. Criteria: GeneDx Variant Classification Process June 2021. Collection method: clinical testing. Allele origin: germline. Affected: yes.
Comment: Not observed at significant frequency in large population cohorts (gnomAD); In silico analysis supports a deleterious effect on splicing; Has not been previously published as pathogenic or benign to our knowledge

NM_001005273.3(CHD3):c.5026+3A>C

Gene: CHD3 (chromodomain helicase DNA binding protein 3; plus strand). Cytogenetic location: 17p13.1.
Variant type: single nucleotide variant.
Coding change: c.5026+3A>C on transcript NM_001005273.3 (MANE Select); 3 bases into the intron after coding-DNA position 5026, A replaced by C.
Molecular consequence: intron variant.
Genome position (GRCh38, 1-based): chr17:7,907,705, A>C. VCF-style: chr17-7907705-A-C. GRCh37 (hg19) VCF-style: chr17-7811023-A-C.
Other names: c.5203+3A>C (NM_001005271.3); c.4925-189A>C (NM_005852.4).
Identifiers: ClinVar variation 2663681 (VCV002663681.1), dbSNP rs2545105099, ClinGen allele CA2695201240.